The following is an entry in ClinVar:

ClinVar aggregate classification (germline): Uncertain significance. Review status: criteria provided, multiple submitters, no conflicts (2 of 4 stars). 2 submissions from 2 submitters: Uncertain significance (2). Last evaluated 2024-07-10.

Conditions:
Inborn genetic diseases. Identifiers: MedGen C0950123, MeSH D030342.

Allele frequency attached by ClinVar (database versions not stated): gnomAD 0.00002; ExAC 0.00003; TOPMed 0.00004; gnomAD exomes 0.00007.

Submissions (2):

Labcorp Genetics (formerly Invitae), Labcorp
Classification: Uncertain significance. Last evaluated: 2024-07-10. Review status: criteria provided, single submitter. Criteria: Invitae Variant Classification Sherloc (09022015). Collection method: clinical testing. Allele origin: germline.
Comment: This sequence change replaces phenylalanine, which is neutral and non-polar, with leucine, which is neutral and non-polar, at codon 299 of the CASQ1 protein (p.Phe299Leu). This variant is present in population databases (rs751160652, gnomAD 0.006%). This variant has not been reported in the literature in individuals affected with CASQ1-related conditions. ClinVar contains an entry for this variant (Variation ID: 2450719). Advanced modeling of protein sequence and biophysical properties (such as structural, functional, and spatial information, amino acid conservation, physicochemical variation, residue mobility, and thermodynamic stability) performed at Invitae indicates that this missense variant is not expected to disrupt CASQ1 protein function with a negative predictive value of 80%. In summary, the available evidence is currently insufficient to determine the role of this variant in disease. Therefore, it has been classified as a Variant of Uncertain Significance.

Ambry Genetics
Classification: Uncertain significance for Inborn genetic diseases. Last evaluated: 2023-01-05. Review status: criteria provided, single submitter. Criteria: Ambry Variant Classification Scheme 2023. Collection method: clinical testing. Allele origin: germline.
Comment: The p.F299L variant (also known as c.897C>A), located in coding exon 9 of the CASQ1 gene, results from a C to A substitution at nucleotide position 897. The phenylalanine at codon 299 is replaced by leucine, an amino acid with highly similar properties. This amino acid position is conserved. In addition, this alteration is predicted to be deleterious by in silico analysis. Since supporting evidence is limited at this time, the clinical significance of this alteration remains unclear.

NM_001231.5(CASQ1):c.897C>A (p.Phe299Leu)

Gene: CASQ1 (calsequestrin 1; plus strand). Cytogenetic location: 1q23.2.
Variant type: single nucleotide variant.
Coding change: c.897C>A on transcript NM_001231.5 (MANE Select); coding-DNA position 897, C replaced by A.
Protein change: p.Phe299Leu; replaces phenylalanine 299 with leucine.
Molecular consequence: missense variant.
Genome position (GRCh38, 1-based): chr1:160,198,966, C>A. VCF-style: chr1-160198966-C-A. GRCh37 (hg19) VCF-style: chr1-160168756-C-A.
Other names: short protein forms F299L.
Identifiers: ClinVar variation 2450719 (VCV002450719.5), dbSNP rs751160652, ClinGen allele CA1196397.